The following is an entry in ClinVar:

NM_025243.4(SLC19A3):c.42C>T (p.Tyr14=)

Gene: SLC19A3 (solute carrier family 19 member 3; minus strand). Cytogenetic location: 2q36.3.
Variant type: single nucleotide variant.
Coding change: c.42C>T on transcript NM_025243.4 (MANE Select); coding-DNA position 42, C replaced by T.
Protein change: p.Tyr14=; no amino-acid change (tyrosine 14 retained).
Molecular consequence: synonymous variant.
Genome position (GRCh38, 1-based): chr2:227,702,277, G>A on the plus strand (C>T on the coding strand, the complement: SLC19A3 is on the minus strand). VCF-style: chr2-227702277-G-A. GRCh37 (hg19) VCF-style: chr2-228566993-G-A.
Other names: p.Y14Y:TAC>TAT; p.Tyr14=.
Identifiers: ClinVar variation 130322 (VCV000130322.28), dbSNP rs34080459, ClinGen allele CA289047.

ClinVar aggregate classification (germline): Benign/Likely benign. Review status: criteria provided, multiple submitters, no conflicts (2 of 4 stars). 11 submissions from 11 submitters: Benign (7); Likely benign (1). 3 of the submissions do not count toward it. Last evaluated 2026-02-03.

Conditions:
Biotin-responsive basal ganglia disease (BTBGD). Also called: Thiamine metabolism dysfunction syndrome type 2; Thiamine Transporter-2 Deficiency; Thiamine metabolism dysfunction syndrome 2 (biotin- or thiamine-responsive encephalopathy type 2); thiamine-responsive encephalopathy; THIAMINE METABOLISM DYSFUNCTION SYNDROME 2 (BIOTIN- AND THIAMINE-RESPONSIVE TYPE). Identifiers: Orphanet 199348, Orphanet 65284, MedGen C1843807, MONDO:0011841, OMIM 607483.

Allele frequency attached by ClinVar (database versions not stated): ExAC 0.00466; gnomAD 0.01546 and 0.01664; 1000 Genomes Project 0.01577; 1000 Genomes Project 30x 0.01640; ESP Exome Variant Server 0.01707; gnomAD exomes 0.00142 and 0.00391; TOPMed 0.01720.
gnomAD v4.1: 4,533 of 1,614,048 alleles (0.28%); highest among the groups gnomAD compares: African/African-American, 5.3%; 105 homozygotes.

Submissions (11):

Labcorp Genetics (formerly Invitae), Labcorp
Classification: Benign for Biotin-responsive basal ganglia disease. Last evaluated: 2026-02-03. Review status: criteria provided, single submitter. Criteria: Invitae Variant Classification Sherloc (09022015). Collection method: clinical testing. Allele origin: germline.

Athena Diagnostics
Classification: Benign. Last evaluated: 2024-10-31. Review status: criteria provided, single submitter. Criteria: Athena Diagnostics Criteria. Collection method: clinical testing. Allele origin: unknown.

Mayo Clinic Laboratories, Mayo Clinic
Classification: Benign. Last evaluated: 2024-03-04. Review status: criteria provided, single submitter. Criteria: ACMG Guidelines, 2015. Collection method: clinical testing. Allele origin: germline. Observed: 26 variant alleles.

Fulgent Genetics
Classification: Likely benign for Biotin-responsive basal ganglia disease. Last evaluated: 2021-10-14. Review status: criteria provided, single submitter. Criteria: ACMG Guidelines, 2015. Collection method: clinical testing. Allele origin: unknown.

Illumina Laboratory Services, Illumina
Classification: Benign for Biotin-responsive basal ganglia disease. Last evaluated: 2018-01-13. Review status: criteria provided, single submitter. Criteria: ICSL Variant Classification Criteria 13 December 2019. Collection method: clinical testing. Allele origin: germline.
Comment: This variant was observed in the ICSL laboratory as part of a predisposition screen in an ostensibly healthy population. It had not been previously curated by ICSL or reported in the Human Gene Mutation Database (HGMD: prior to June 1st, 2018), and was therefore a candidate for classification through an automated scoring system. Utilizing variant allele frequency, disease prevalence and penetrance estimates, and inheritance mode, an automated score was calculated to assess if this variant is too frequent to cause the disease. Based on the score and internal cut-off values, a variant classified as benign is not then subjected to further curation. The score for this variant resulted in a classification of benign for this disease.

GeneDx
Classification: Benign. Last evaluated: 2014-02-09. Review status: criteria provided, single submitter. Criteria: GeneDx Variant Classification (06012015). Collection method: clinical testing. Allele origin: germline. Affected: yes.
Comment: This variant is considered likely benign or benign based on one or more of the following criteria: it is a conservative change, it occurs at a poorly conserved position in the protein, it is predicted to be benign by multiple in silico algorithms, and/or has population frequency not consistent with disease.

Breakthrough Genomics
Classification: Benign. Review status: criteria provided, single submitter. Criteria: ACMG Guidelines, 2015. Collection method: not provided. Allele origin: germline. Inheritance: Autosomal recessive inheritance. Affected: yes.

PreventionGenetics, part of Exact Sciences
Classification: Benign. Review status: criteria provided, single submitter. Criteria: ACMG Guidelines, 2015. Collection method: clinical testing. Allele origin: germline.

Genetic Services Laboratory, University of Chicago
Classification: Likely benign for AllHighlyPenetrant. Review status: no assertion criteria provided. Collection method: clinical testing. Allele origin: germline. Inheritance: Autosomal recessive inheritance. Not counted in ClinVar's aggregate classification.
Comment: Likely benign based on allele frequency in 1000 Genomes Project or ESP global frequency and its presence in a patient with a rare or unrelated disease phenotype. NOT Sanger confirmed.

Genome Diagnostics Laboratory, University Medical Center Utrecht
Classification: Benign. Review status: no assertion criteria provided. Collection method: clinical testing. Allele origin: germline. Affected: yes. Study: VKGL Data-share Consensus. Not counted in ClinVar's aggregate classification.

Joint Genome Diagnostic Labs from Nijmegen and Maastricht, Radboudumc and MUMC+
Classification: Benign. Review status: no assertion criteria provided. Collection method: clinical testing. Allele origin: germline. Affected: yes. Study: VKGL Data-share Consensus. Not counted in ClinVar's aggregate classification.